The following is an entry in ClinVar:

ClinVar aggregate classification (germline): Uncertain significance (1 of 4 stars; one submission).

Conditions:
Mucopolysaccharidosis type 6 (MPS6). Also called: MPS VI; N-ACETYLGALACTOSAMINE-4-SULFATASE DEFICIENCY; ARSB DEFICIENCY; ARYLSULFATASE B DEFICIENCY; MPS 6; Maroteaux Lamy syndrome. Identifiers: Orphanet 583, MedGen C0026709, MONDO:0009661, OMIM 253200.

Submission:

Labcorp Genetics (formerly Invitae), Labcorp
Classification: Uncertain significance for Mucopolysaccharidosis type 6. Last evaluated: 2021-08-19. Review status: criteria provided, single submitter. Criteria: Invitae Variant Classification Sherloc (09022015). Collection method: clinical testing. Allele origin: germline.
Comment: In summary, the available evidence is currently insufficient to determine the role of this variant in disease. Therefore, it has been classified as a Variant of Uncertain Significance. Experimental studies and prediction algorithms are not available or were not evaluated, and the functional significance of this variant is currently unknown. This variant has been observed in individual(s) with clinical features of mucopolysaccharidosis type VI (Invitae). In at least one individual the data is consistent with the variant being in trans (on the opposite chromosome) from a pathogenic variant. The frequency data for this variant in the population databases is not available, as this variant may be reported as separate entries in the ExAC database. This variant, c.729_730delinsTT, is a complex sequence change that results in the deletion of 2 and insertion of 2 amino acid(s) in the ARSB protein (p.Glu243_Pro244delinsAspSer).

NM_000046.5(ARSB):c.729_730delinsTT (p.Glu243_Pro244delinsAspSer)

Gene: ARSB (arylsulfatase B; minus strand). Cytogenetic location: 5q14.1.
Variant type: Indel.
Coding change: c.729_730delinsTT on transcript NM_000046.5 (MANE Select); coding-DNA positions 729 to 730, GC replaced by TT.
Protein change: p.Glu243_Pro244delinsAspSer.
Molecular consequence: missense variant.
Genome position (GRCh38, 1-based): chr5:78,955,463-78,955,464, GC replaced by AA on the plus strand (GC replaced by TT on the coding strand, the reverse complement: ARSB is on the minus strand). VCF-style: chr5-78955463-GC-AA. GRCh37 (hg19) VCF-style: chr5-78251286-GC-AA.
Other names: c.729_730delinsTT, p.Glu243_Pro244delinsAspSer (NM_198709.3).
Identifiers: ClinVar variation 1406629 (VCV001406629.6), dbSNP rs2112484265, ClinGen allele CA2573140154.